The following is an entry in ClinVar:

NM_001035.3(RYR2):c.9067+1del

Gene: RYR2 (ryanodine receptor 2; plus strand). Cytogenetic location: 1q43.
Variant type: Deletion.
Coding change: c.9067+1del on transcript NM_001035.3 (MANE Select); the canonical splice donor site of the intron after coding-DNA position 9067, one base deleted (G; older notation c.9067+1delG).
Molecular consequence: splice donor variant.
Genome position (GRCh38, 1-based): chr1:237,687,505, G deleted; the last of 2 consecutive G bases (chr1:237,687,504-237,687,505); deleting either gives the same sequence. VCF-style (leftmost placement, unchanged base first): chr1-237687503-TG-T. GRCh37 (hg19) VCF-style: chr1-237850803-TG-T.
Identifiers: ClinVar variation 1765636 (VCV001765636.2), dbSNP rs2547284272, ClinGen allele CA2580062406.

ClinVar aggregate classification (germline): Uncertain significance (1 of 4 stars; one submission).

Conditions:
Cardiovascular phenotype. Identifiers: MedGen CN230736.

Submission:

Ambry Genetics
Classification: Uncertain significance for Cardiovascular phenotype. Last evaluated: 2020-08-10. Review status: criteria provided, single submitter. Criteria: Ambry Variant Classification Scheme 2023. Collection method: clinical testing. Allele origin: germline.
Comment: The c.9067+1delG intronic variant, located in intron 63 of the RYR2 gene, results from a deletion of one nucleotide within intron 63 of the RYR2 gene. This nucleotide position is highly conserved in available vertebrate species. In silico splice site analysis for this alteration is inconclusive. Alterations that disrupt the canonical splice site are expected to cause aberrant splicing, resulting in an abnormal protein or a transcript that is subject to nonsense-mediated mRNA decay. However, loss of function of RYR2 has not been clearly established as a mechanism of disease. Since supporting evidence is limited at this time, the clinical significance of this alteration remains unclear.